The following is an entry in ClinVar:

NM_000488.4(SERPINC1):c.205G>T (p.Glu69Ter)

Gene: SERPINC1 (serpin family C member 1; minus strand). Cytogenetic location: 1q25.1.
Variant type: single nucleotide variant.
Coding change: c.205G>T on transcript NM_000488.4 (MANE Select); coding-DNA position 205, G replaced by T.
Protein change: p.Glu69Ter; replaces glutamic acid 69 with a stop codon.
Molecular consequence: nonsense.
Genome position (GRCh38, 1-based): chr1:173,914,756, C>A on the plus strand (G>T on the coding strand, the complement: SERPINC1 is on the minus strand). VCF-style: chr1-173914756-C-A. GRCh37 (hg19) VCF-style: chr1-173883894-C-A.
Other names: c.61G>T, p.Glu21Ter (NM_001365052.2); c.205G>T, p.Glu69Ter (NM_001386302.1, NM_001386304.1, NM_001386305.1 and 1 more transcripts); c.286G>T, p.Glu96Ter (NM_001386303.1); short protein forms E21*, E69*, E96*.
Identifiers: ClinVar variation 2798086 (VCV002798086.3), dbSNP rs2526595697, ClinGen allele CA343778005.

ClinVar aggregate classification (germline): Pathogenic (1 of 4 stars; one submission).

Conditions:
Hereditary antithrombin deficiency (AT3D). Also called: Reduced antithrombin III activity; Antithrombin III deficiency; Thrombophilia due to antithrombin III deficiency; Antithrombin deficiency. Identifiers: Orphanet 82, MedGen C0272375, MONDO:0013144, OMIM 613118, HP:0001976.

Submission:

Labcorp Genetics (formerly Invitae), Labcorp
Classification: Pathogenic for Hereditary antithrombin deficiency. Last evaluated: 2023-04-20. Review status: criteria provided, single submitter. Criteria: Invitae Variant Classification Sherloc (09022015). Collection method: clinical testing. Allele origin: germline.
Comment: For these reasons, this variant has been classified as Pathogenic. This variant has not been reported in the literature in individuals affected with SERPINC1-related conditions. This variant is not present in population databases (gnomAD no frequency). This sequence change creates a premature translational stop signal (p.Glu69*) in the SERPINC1 gene. It is expected to result in an absent or disrupted protein product. Loss-of-function variants in SERPINC1 are known to be pathogenic (PMID: 21264449).

Literature cited by the submitters: PubMed 21264449.